The following is an entry in ClinVar:

ClinVar aggregate classification (germline): Uncertain significance (0 of 4 stars; one submission).

Conditions:
IFT172-related disorder. Also called: IFT172-related disorders; IFT172-related condition.

gnomAD v4.1: 4 of 1,613,834 alleles (0.00025%); highest among the groups gnomAD compares: Non-Finnish European, 0.00034%; no homozygotes.

Submission:

PreventionGenetics, part of Exact Sciences
Classification: Uncertain significance for IFT172-related condition. Last evaluated: 2024-08-14. Review status: no assertion criteria provided. Collection method: clinical testing. Allele origin: germline.
Comment: The IFT172 c.1587G>T variant is predicted to result in the amino acid substitution p.Met529Ile. To our knowledge, this variant has not been reported in the literature. This variant is reported in 0.00088% of alleles in individuals of European (Non-Finnish) descent in gnomAD. At this time, the clinical significance of this variant is uncertain due to the absence of conclusive functional and genetic evidence.

NM_015662.3(IFT172):c.1587G>T (p.Met529Ile)

Gene: IFT172 (intraflagellar transport 172; minus strand). Cytogenetic location: 2p23.3.
Variant type: single nucleotide variant.
Coding change: c.1587G>T on transcript NM_015662.3 (MANE Select); coding-DNA position 1587, G replaced by T.
Protein change: p.Met529Ile; replaces methionine 529 with isoleucine.
Molecular consequence: missense variant. On other transcripts: intron variant (1).
Genome position (GRCh38, 1-based): chr2:27,471,033, C>A on the plus strand (G>T on the coding strand, the complement: IFT172 is on the minus strand). VCF-style: chr2-27471033-C-A. GRCh37 (hg19) VCF-style: chr2-27693900-C-A.
Other names: c.1525-4G>T (NM_001410739.1); short protein forms M529I.
Identifiers: ClinVar variation 3348602 (VCV003348602.1).